The following is an entry in ClinVar:

NM_000035.4(ALDOB):c.*612A>G

Gene: ALDOB (aldolase, fructose-bisphosphate B; minus strand). Cytogenetic location: 9q31.1.
Variant type: single nucleotide variant.
Coding change: c.*612A>G on transcript NM_000035.4 (MANE Select); 612 bases downstream of the stop codon, A replaced by G.
Molecular consequence: 3 prime UTR variant.
Genome position (GRCh38, 1-based): chr9:101,421,197, T>C on the plus strand (A>G on the coding strand, the complement: ALDOB is on the minus strand). VCF-style: chr9-101421197-T-C. GRCh37 (hg19) VCF-style: chr9-104183479-T-C.
Other names: c.*612A>G (LRG_1244t1).
Identifiers: ClinVar variation 364296 (VCV000364296.6), dbSNP rs41296049, ClinGen allele CA10631890.
Genomic context (GRCh38, chr9:101,421,197, plus strand): 5'-TGAGGGAGCTTTAAGAAATCTAATAGTTAGAGGATCCCAAGTCTAGGGTTTCTGATTTAA[T>C]TGAGCTGGGGTGTGGCCTGAGCATCTCAGTTTTTAAAATTTTGCGGCTTGATTCCAATGA-3'

ClinVar aggregate classification (germline): Benign. Review status: criteria provided, multiple submitters, no conflicts (2 of 4 stars). 2 submissions from 2 submitters: Benign (2). Last evaluated 2018-01-12.

Conditions:
Hereditary fructosuria. Also called: Fructose intolerance; ALDOB DEFICIENCY; ALDOLASE B DEFICIENCY; FRUCTOSE-1,6-BISPHOSPHATE ALDOLASE B DEFICIENCY; FRUCTOSE-1-PHOSPHATE ALDOLASE DEFICIENCY; FRUCTOSEMIA. Identifiers: Orphanet 469, MedGen C0016751, MONDO:0009249, OMIM 229600, HP:0005973. Disease mechanism: loss of function.

Allele frequency attached by ClinVar (database versions not stated): 1000 Genomes Project 0.06250; 1000 Genomes Project 30x 0.06683; gnomAD exomes 0.07143; TOPMed 0.07746; gnomAD 0.07833 and 0.07861.
gnomAD v4.1: 12,210 of 154,682 alleles (7.9%); highest among the groups gnomAD compares: Middle Eastern, 16%; 543 homozygotes.

Submissions (2):

Illumina Laboratory Services, Illumina
Classification: Benign for Hereditary fructosuria. Last evaluated: 2018-01-12. Review status: criteria provided, single submitter. Criteria: ICSL Variant Classification Criteria 13 December 2019. Collection method: clinical testing. Allele origin: germline.
Comment: This variant was observed in the ICSL laboratory as part of a predisposition screen in an ostensibly healthy population. It had not been previously curated by ICSL or reported in the Human Gene Mutation Database (HGMD: prior to June 1st, 2018), and was therefore a candidate for classification through an automated scoring system. Utilizing variant allele frequency, disease prevalence and penetrance estimates, and inheritance mode, an automated score was calculated to assess if this variant is too frequent to cause the disease. Based on the score and internal cut-off values, a variant classified as benign is not then subjected to further curation. The score for this variant resulted in a classification of benign for this disease.

Breakthrough Genomics
Classification: Benign. Review status: criteria provided, single submitter. Criteria: ACMG Guidelines, 2015. Collection method: not provided. Allele origin: germline. Inheritance: Autosomal recessive inheritance. Affected: yes.